The following is an entry in ClinVar:

NM_005876.5(SPEG):c.4406G>A (p.Arg1469His)

Gene: SPEG (striated muscle enriched protein kinase; plus strand). Cytogenetic location: 2q35.
Variant type: single nucleotide variant.
Coding change: c.4406G>A on transcript NM_005876.5 (MANE Select); coding-DNA position 4406, G replaced by A.
Protein change: p.Arg1469His; replaces arginine 1469 with histidine.
Molecular consequence: missense variant.
Genome position (GRCh38, 1-based): chr2:219,473,862, G>A. VCF-style: chr2-219473862-G-A. GRCh37 (hg19) VCF-style: chr2-220338584-G-A.
Other names: c.4406G>A (NM_005876.4); short protein forms R1469H.
Identifiers: ClinVar variation 1474753 (VCV001474753.8), dbSNP rs778086073, ClinGen allele CA2126488.
Genomic context (GRCh38, chr2:219,473,862, plus strand): 5'-TTCGGATCTGCCGGGTGAGCCGCCGGGACATGGGGGCCCTCACCTGCACCGCCCGAAACC[G>A]TCACGGCACACAGACCTGCTCGGTCACATTGGAGCTGGCAGGTGGGTGACAGCGGGCCTT-3'
Protein context (NP_005867.3, residues 1459-1479): MGALTCTARN[Arg1469His]HGTQTCSVTL

ClinVar aggregate classification (germline): Uncertain significance. Review status: criteria provided, multiple submitters, no conflicts (2 of 4 stars). 2 submissions from 2 submitters: Uncertain significance (2). Last evaluated 2022-10-05.

Conditions:
Inborn genetic diseases. Identifiers: MedGen C0950123, MeSH D030342.

Allele frequency attached by ClinVar (database versions not stated): gnomAD 0.00001; gnomAD exomes 0.00001 and 0.00002; TOPMed 0.00001; ExAC 0.00002.
gnomAD v4.1: 23 of 1,613,360 alleles (0.0014%); highest among the groups gnomAD compares: Admixed American, 0.0017%; no homozygotes.

Submissions (2):

Labcorp Genetics (formerly Invitae), Labcorp
Classification: Uncertain significance. Last evaluated: 2022-10-05. Review status: criteria provided, single submitter. Criteria: Invitae Variant Classification Sherloc (09022015). Collection method: clinical testing. Allele origin: germline.
Comment: In summary, the available evidence is currently insufficient to determine the role of this variant in disease. Therefore, it has been classified as a Variant of Uncertain Significance. Algorithms developed to predict the effect of missense changes on protein structure and function are either unavailable or do not agree on the potential impact of this missense change (SIFT: "Deleterious"; PolyPhen-2: "Benign"; Align-GVGD: "Class C0"). ClinVar contains an entry for this variant (Variation ID: 1474753). This variant has not been reported in the literature in individuals affected with SPEG-related conditions. This variant is present in population databases (rs778086073, gnomAD 0.006%). This sequence change replaces arginine, which is basic and polar, with histidine, which is basic and polar, at codon 1469 of the SPEG protein (p.Arg1469His).

Ambry Genetics
Classification: Uncertain significance for Inborn genetic diseases. Last evaluated: 2021-10-22. Review status: criteria provided, single submitter. Criteria: Ambry Variant Classification Scheme 2023. Collection method: clinical testing. Allele origin: germline.